The following is an entry in ClinVar:

NM_017950.4(CCDC40):c.388G>A (p.Asp130Asn)

Gene: CCDC40 (coiled-coil domain 40 molecular ruler complex subunit; plus strand). Cytogenetic location: 17q25.3.
Variant type: single nucleotide variant.
Coding change: c.388G>A on transcript NM_017950.4 (MANE Select); coding-DNA position 388, G replaced by A.
Protein change: p.Asp130Asn; replaces aspartic acid 130 with asparagine.
Molecular consequence: missense variant.
Genome position (GRCh38, 1-based): chr17:80,040,106, G>A. VCF-style: chr17-80040106-G-A. GRCh37 (hg19) VCF-style: chr17-78013905-G-A.
Other names: c.388G>A, p.Asp130Asn (NM_001243342.2, NM_001330508.2); short protein forms D130N.
Identifiers: ClinVar variation 325723 (VCV000325723.6), dbSNP rs758879011, ClinGen allele CA8813430.

ClinVar aggregate classification (germline): Uncertain significance. Review status: criteria provided, multiple submitters, no conflicts (2 of 4 stars). 2 submissions from 2 submitters: Uncertain significance (2). Last evaluated 2025-12-24.

Conditions:
Primary ciliary dyskinesia. Also called: Ciliary dyskinesia. Identifiers: Orphanet 244, MedGen C0008780, MONDO:0016575, HP:0012265.
Primary ciliary dyskinesia 15. Also called: CILIARY DYSKINESIA, PRIMARY, 15, WITH OR WITHOUT SITUS INVERSUS. Identifiers: Orphanet 244, MedGen C3151137, MONDO:0013435, OMIM 613808.

Allele frequency attached by ClinVar (database versions not stated): gnomAD 0.00001; gnomAD exomes 0.00001; TOPMed 0.00001; ExAC 0.00002.
gnomAD v4.1: 40 of 1,614,048 alleles (0.0025%); highest among the groups gnomAD compares: Non-Finnish European, 0.0032%; no homozygotes.

Submissions (2):

Ambry Genetics
Classification: Uncertain significance for Primary ciliary dyskinesia. Last evaluated: 2025-12-24. Review status: criteria provided, single submitter. Criteria: Ambry Variant Classification Scheme 2023. Collection method: clinical testing. Allele origin: germline.
Comment: The p.D130N variant (also known as c.388G>A), located in coding exon 3 of the CCDC40 gene, results from a G to A substitution at nucleotide position 388. The aspartic acid at codon 130 is replaced by asparagine, an amino acid with highly similar properties. This amino acid position is conserved. In addition, this alteration is predicted to be tolerated by in silico analysis. Based on the available evidence, the clinical significance of this variant remains unclear.

Illumina Laboratory Services, Illumina
Classification: Uncertain significance for Primary ciliary dyskinesia 15. Last evaluated: 2018-01-13. Review status: criteria provided, single submitter. Criteria: ICSL Variant Classification Criteria 13 December 2019. Collection method: clinical testing. Allele origin: germline.